The following is an entry in ClinVar:

ClinVar aggregate classification (germline): Uncertain significance (1 of 4 stars; one submission).

Conditions:
Hereditary spastic paraplegia 75. Also called: Spastic paraplegia 75, autosomal recessive. Identifiers: Orphanet 459056, MedGen C4225250, MONDO:0014729, OMIM 616680.

Submission:

Labcorp Genetics (formerly Invitae), Labcorp
Classification: Uncertain significance for Hereditary spastic paraplegia 75. Last evaluated: 2025-03-17. Review status: criteria provided, single submitter. Criteria: Invitae Variant Classification Sherloc (09022015). Collection method: clinical testing. Allele origin: germline.
Comment: This sequence change creates a premature translational stop signal (p.Arg508Leufs*70) in the MAG gene. While this is not anticipated to result in nonsense mediated decay, it is expected to disrupt the last 119 amino acid(s) of the MAG protein. This variant is not present in population databases (gnomAD no frequency). This premature translational stop signal has been observed in individual(s) with clinical features of hereditary spastic paraplegia (internal data). In at least one individual the data is consistent with being in trans (on the opposite chromosome) from a pathogenic variant. ClinVar contains an entry for this variant (Variation ID: 2857246). Experimental studies and prediction algorithms are not available or were not evaluated, and the functional significance of this variant is currently unknown. In summary, the available evidence is currently insufficient to determine the role of this variant in disease. Therefore, it has been classified as a Variant of Uncertain Significance.

NM_002361.4(MAG):c.1523_1530del (p.Arg508fs)

Gene: MAG (myelin associated glycoprotein; plus strand). Cytogenetic location: 19q13.12.
Variant type: Deletion.
Coding change: c.1523_1530del on transcript NM_002361.4 (MANE Select); coding-DNA positions 1523 to 1530, 8 bases deleted (GACTGATG; older notation c.1523_1530delGACTGATG).
Protein change: p.Arg508fs; shifts the reading frame from arginine 508.
Molecular consequence: frameshift variant.
Genome position (GRCh38, 1-based): chr19:35,310,550-35,310,557, GACTGATG deleted. VCF-style (leftmost placement, unchanged base first): chr19-35310549-CGACTGATG-C. GRCh37 (hg19) VCF-style: chr19-35801452-CGACTGATG-C.
Other names: c.1448_1455del, p.Arg483fs (NM_001199216.2); c.1523_1530del, p.Arg508fs (NM_080600.3); short protein forms R483fs, R508fs.
Identifiers: ClinVar variation 2857246 (VCV002857246.3), dbSNP rs2513601134, ClinGen allele CA2739276654.